The following is an entry in ClinVar:

ClinVar aggregate classification (germline): Benign (1 of 4 stars; one submission).

Conditions:
Loeys-Dietz syndrome 4 (LDS4). Also called: ANEURYSM, AORTIC AND CEREBRAL, WITH ARTERIAL TORTUOSITY AND SKELETAL MANIFESTATIONS; TGFB2-Related Loeys-Dietz Syndrome. Identifiers: MedGen C3553762, MONDO:0013897, OMIM 614816.

Allele frequency attached by ClinVar (database versions not stated): 1000 Genomes Project 30x 0.00078; 1000 Genomes Project 0.00080; gnomAD below 0.00001 and 0.00024; TOPMed 0.00004.

Submission:

Illumina Laboratory Services, Illumina
Classification: Benign for Loeys-Dietz syndrome 4. Last evaluated: 2018-01-13. Review status: criteria provided, single submitter. Criteria: ICSL Variant Classification Criteria 13 December 2019. Collection method: clinical testing. Allele origin: germline.
Comment: This variant was observed in the ICSL laboratory as part of a predisposition screen in an ostensibly healthy population. It had not been previously curated by ICSL or reported in the Human Gene Mutation Database (HGMD: prior to June 1st, 2018), and was therefore a candidate for classification through an automated scoring system. Utilizing variant allele frequency, disease prevalence and penetrance estimates, and inheritance mode, an automated score was calculated to assess if this variant is too frequent to cause the disease. Based on the score and internal cut-off values, a variant classified as benign is not then subjected to further curation. The score for this variant resulted in a classification of benign for this disease.

NM_003238.6(TGFB2):c.*1198A>G

Gene: TGFB2 (transforming growth factor beta 2; plus strand). Cytogenetic location: 1q41.
Variant type: single nucleotide variant.
Coding change: c.*1198A>G on transcript NM_003238.6 (MANE Select); 1198 bases downstream of the stop codon, A replaced by G.
Molecular consequence: 3 prime UTR variant. On other transcripts: non-coding transcript variant (2).
Genome position (GRCh38, 1-based): chr1:218,442,560, A>G. VCF-style: chr1-218442560-A-G. GRCh37 (hg19) VCF-style: chr1-218615902-A-G.
Other names: c.*1198A>G (NM_001135599.4).
Identifiers: ClinVar variation 295508 (VCV000295508.5), dbSNP rs556560548, ClinGen allele CA10609986.